The following is an entry in ClinVar:

ClinVar aggregate classification (germline): Uncertain significance (1 of 4 stars; one submission).

Allele frequency attached by ClinVar (database versions not stated): TOPMed below 0.00001; gnomAD 0.00001; gnomAD exomes 0.00001.
gnomAD v4.1: 13 of 1,613,874 alleles (0.00081%); highest among the groups gnomAD compares: Non-Finnish European, 0.0011%; no homozygotes.

Submission:

GeneDx
Classification: Uncertain significance. Last evaluated: 2022-07-13. Review status: criteria provided, single submitter. Criteria: GeneDx Variant Classification Process June 2021. Collection method: clinical testing. Allele origin: germline. Affected: yes.
Comment: Not observed at significant frequency in large population cohorts (gnomAD); In silico analysis supports that this missense variant has a deleterious effect on protein structure/function; Has not been previously published as pathogenic or benign to our knowledge; Variants in candidate genes are classified as variants of uncertain significance in accordance with ACMG guidelines (Richards et al., 2015)

NM_139318.5(KCNH5):c.1061G>A (p.Cys354Tyr)

Gene: KCNH5 (potassium voltage-gated channel subfamily H member 5; minus strand). Cytogenetic location: 14q23.2.
Variant type: single nucleotide variant.
Coding change: c.1061G>A on transcript NM_139318.5 (MANE Select); coding-DNA position 1061, G replaced by A.
Protein change: p.Cys354Tyr; replaces cysteine 354 with tyrosine.
Molecular consequence: missense variant.
Genome position (GRCh38, 1-based): chr14:62,950,441, C>T on the plus strand (G>A on the coding strand, the complement: KCNH5 is on the minus strand). VCF-style: chr14-62950441-C-T. GRCh37 (hg19) VCF-style: chr14-63417159-C-T.
Other names: c.1061G>A, p.Cys354Tyr (NM_172375.3); short protein forms C354Y.
Identifiers: ClinVar variation 1878865 (VCV001878865.1), dbSNP rs1169815049, ClinGen allele CA390103358.